The following is an entry in ClinVar:

NM_000255.4(MMUT):c.2020C>G (p.Leu674Val)

Gene: MMUT (methylmalonyl-CoA mutase; minus strand). Cytogenetic location: 6p12.3.
Variant type: single nucleotide variant.
Coding change: c.2020C>G on transcript NM_000255.4 (MANE Select); coding-DNA position 2020, C replaced by G.
Protein change: p.Leu674Val; replaces leucine 674 with valine.
Molecular consequence: missense variant.
Genome position (GRCh38, 1-based): chr6:49,435,560, G>C on the plus strand (C>G on the coding strand, the complement: MMUT is on the minus strand). VCF-style: chr6-49435560-G-C. GRCh37 (hg19) VCF-style: chr6-49403273-G-C.
Other names: short protein forms L674V.
Identifiers: ClinVar variation 466220 (VCV000466220.10), dbSNP rs1164271240, ClinGen allele CA364394527.

ClinVar aggregate classification (germline): Likely pathogenic (1 of 4 stars; one submission).

Submission:

Labcorp Genetics (formerly Invitae), Labcorp
Classification: Likely pathogenic. Last evaluated: 2021-04-05. Review status: criteria provided, single submitter. Criteria: Invitae Variant Classification Sherloc (09022015). Collection method: clinical testing. Allele origin: germline.
Comment: In summary, this variant is a missense change which is predicted to impact protein function and has been observed in combination with a pathogenic variant in an affected individual meeting a biochemical profile specific for methylmalonic acidemia. This evidence indicates that the variant is pathogenic, but additional data are needed to prove that conclusively. Therefore, this variant has been classified as Likely Pathogenic. Algorithms developed to predict the effect of missense changes on protein structure and function (SIFT, PolyPhen-2, Align-GVGD) all suggest that this variant is likely to be disruptive, but these predictions have not been confirmed by published functional studies. Another missense substitution affecting the same codon (p.Leu674Phe) has been reported as homozygous in an individual affected with methylmalonic acidemia (PMID: 22727635). This variant is not present in population databases (ExAC no frequency) and has not been reported in the literature in individuals with a MUT-related disease. This sequence change replaces leucine with valine at codon 674 of the MUT protein (p.Leu674Val). The leucine residue is highly conserved and there is a small physicochemical difference between leucine and valine.

Literature cited by the submitters: PubMed 22727635.